The following is an entry in ClinVar:

NM_001374828.1(ARID1B):c.1450_1451del (p.Gly484fs)

Gene: ARID1B (AT-rich interaction domain 1B; plus strand). Cytogenetic location: 6q25.3.
Variant type: Deletion.
Coding change: c.1450_1451del on transcript NM_001374828.1 (MANE Select); coding-DNA positions 1450 to 1451, 2 bases deleted (GG; older notation c.1450_1451delGG).
Protein change: p.Gly484fs; shifts the reading frame from glycine 484.
Molecular consequence: frameshift variant.
Genome position (GRCh38, 1-based): chr6:156,779,130-156,779,131, GG deleted; deleting any 2 consecutive bases within chr6:156,779,126-156,779,131 gives the same sequence; the c. name uses the placement nearest the transcript's 3' end. VCF-style (leftmost placement, unchanged base first): chr6-156779125-CGG-C. GRCh37 (hg19) VCF-style: chr6-157100259-CGG-C.
Other names: c.1201_1202delGG, p.Gly401Leufs (NM_001346813.1, NM_020732.3); c.1450_1451del, p.Gly484fs (NM_001371656.1, NM_001374820.1, NM_017519.3); c.1027_1028delGG, p.Gly343Leufs (NM_175863.2); short protein forms G484fs.
Identifiers: ClinVar variation 2810247 (VCV002810247.3), dbSNP rs1554248082, ClinGen allele CA2739266205.

ClinVar aggregate classification (germline): Pathogenic (1 of 4 stars; one submission).

Submission:

Labcorp Genetics (formerly Invitae), Labcorp
Classification: Pathogenic. Last evaluated: 2022-11-28. Review status: criteria provided, single submitter. Criteria: Invitae Variant Classification Sherloc (09022015). Collection method: clinical testing. Allele origin: germline.
Comment: This sequence change creates a premature translational stop signal (p.Gly401Leufs*133) in the ARID1B gene. It is expected to result in an absent or disrupted protein product. Loss-of-function variants in ARID1B are known to be pathogenic (PMID: 25674384, 30349098). The frequency data for this variant in the population databases is considered unreliable, as metrics indicate insufficient coverage at this position in the gnomAD database. This variant has not been reported in the literature in individuals affected with ARID1B-related conditions. For these reasons, this variant has been classified as Pathogenic.

Literature cited by the submitters: PubMed 25674384; PubMed 30349098.